The following is an entry in ClinVar:

NM_012281.3(KCND2):c.853G>A (p.Val285Ile)

Gene: KCND2 (potassium voltage-gated channel subfamily D member 2; plus strand). Cytogenetic location: 7q31.31.
Variant type: single nucleotide variant.
Coding change: c.853G>A on transcript NM_012281.3 (MANE Select); coding-DNA position 853, G replaced by A.
Protein change: p.Val285Ile; replaces valine 285 with isoleucine.
Molecular consequence: missense variant.
Genome position (GRCh38, 1-based): chr7:120,275,485, G>A. VCF-style: chr7-120275485-G-A. GRCh37 (hg19) VCF-style: chr7-119915539-G-A.
Other names: short protein forms V285I.
Identifiers: ClinVar variation 3572538 (VCV003572538.2).
Genomic context (GRCh38, chr7:120,275,485, plus strand): 5'-ATCGACGTGGTGGCCATCCTGCCTTATTACATTGGGCTGGTGATGACAGACAATGAGGAC[G>A]TCAGCGGAGCCTTTGTCACACTCCGAGTCTTCCGGGTCTTCAGGATCTTTAAGTTTTCCC-3'
Protein context (NP_036413.1, residues 275-295): IGLVMTDNED[Val285Ile]SGAFVTLRVF

ClinVar aggregate classification (germline): Uncertain significance (1 of 4 stars; one submission).

gnomAD v4.1: 1 of 1,613,040 alleles (0.000062%); highest among the groups gnomAD compares: Non-Finnish European, 0.000085%; no homozygotes.

Submission:

GeneDx
Classification: Uncertain significance. Last evaluated: 2025-03-18. Review status: criteria provided, single submitter. Criteria: GeneDx Variant Classification Process June 2021. Collection method: clinical testing. Allele origin: germline.
Comment: In silico analysis indicates that this missense variant does not alter protein structure/function; Has not been previously published as pathogenic or benign to our knowledge